The following is an entry in ClinVar:

NM_005477.3(HCN4):c.3448G>A (p.Val1150Ile)

Gene: HCN4 (hyperpolarization activated cyclic nucleotide gated potassium channel 4; minus strand). Cytogenetic location: 15q24.1.
Variant type: single nucleotide variant.
Coding change: c.3448G>A on transcript NM_005477.3 (MANE Select); coding-DNA position 3448, G replaced by A.
Protein change: p.Val1150Ile; replaces valine 1150 with isoleucine.
Molecular consequence: missense variant.
Genome position (GRCh38, 1-based): chr15:73,322,645, C>T on the plus strand (G>A on the coding strand, the complement: HCN4 is on the minus strand). VCF-style: chr15-73322645-C-T. GRCh37 (hg19) VCF-style: chr15-73614986-C-T.
Other names: short protein forms V1150I.
Identifiers: ClinVar variation 234777 (VCV000234777.9), dbSNP rs772491303, ClinGen allele CA7648821.

ClinVar aggregate classification (germline): Uncertain significance. Review status: criteria provided, multiple submitters, no conflicts (2 of 4 stars). 3 submissions from 3 submitters: Uncertain significance (3). Last evaluated 2025-12-22.

Conditions:
Brugada syndrome 8 (BRGDA8). Identifiers: Orphanet 130, MedGen C2751083, MONDO:0013148, OMIM 613123.

Allele frequency attached by ClinVar (database versions not stated): gnomAD exomes below 0.00001 and 0.00002; gnomAD 0.00001; ExAC below 0.00001.
gnomAD v4.1: 25 of 1,610,184 alleles (0.0016%); highest among the groups gnomAD compares: Middle Eastern, 0.017%; no homozygotes.

Submissions (3):

Labcorp Genetics (formerly Invitae), Labcorp
Classification: Uncertain significance for Brugada syndrome 8. Last evaluated: 2025-12-22. Review status: criteria provided, single submitter. Criteria: Invitae Variant Classification Sherloc (09022015). Collection method: clinical testing. Allele origin: germline.
Comment: This sequence change replaces valine, which is neutral and non-polar, with isoleucine, which is neutral and non-polar, at codon 1150 of the HCN4 protein (p.Val1150Ile). This variant is present in population databases (rs772491303, gnomAD 0.003%). This variant has not been reported in the literature in individuals affected with HCN4-related conditions. ClinVar contains an entry for this variant (Variation ID: 234777). Invitae Evidence Modeling of protein sequence and biophysical properties (such as structural, functional, and spatial information, amino acid conservation, physicochemical variation, residue mobility, and thermodynamic stability) indicates that this missense variant is not expected to disrupt HCN4 protein function with a negative predictive value of 95%. In summary, the available evidence is currently insufficient to determine the role of this variant in disease. Therefore, it has been classified as a Variant of Uncertain Significance.

Athena Diagnostics
Classification: Uncertain significance. Last evaluated: 2018-02-15. Review status: criteria provided, single submitter. Criteria: Athena Diagnostics Criteria. Collection method: clinical testing. Allele origin: germline.

GeneDx
Classification: Uncertain significance. Last evaluated: 2016-01-18. Review status: criteria provided, single submitter. Criteria: GeneDx Variant Classification (06012015). Collection method: clinical testing. Allele origin: germline. Affected: yes.
Comment: The V1150I variant has not been published as a pathogenic variant, nor has it been reported as a benign variant to our knowledge. It was not observed in approximately 6,500 individuals of European and African American ancestry in the NHLBI Exome Sequencing Project, indicating it is not a common benign variant in these populations. This substitution occurs at a position that is conserved in mammals. However, the V1150I variant is a conservative amino acid substitution, which is not likely to impact secondary protein structure as these residues share similar properties, and in silico analysis predicts this variant likely does not alter the protein structure/function. Moreover, no missense variants in nearby residues have been reported in the Human Gene Mutation Database (Stenson et al., 2014), indicating that this region of the gene is not known to harbor disease-causing variants. Finally, the V1150 variant was reported as an incidental finding in one individual among a cohort investigated for Ayme-Gripp syndrome; the cardiac phenotype in this individual is unknown (Niceta et al., 2015).

Literature cited by the submitters: PubMed 25865493 (cited by Athena Diagnostics).